The following is an entry in ClinVar:

NM_017654.4(SAMD9):c.2737A>G (p.Lys913Glu)

Gene: SAMD9 (sterile alpha motif domain containing 9; minus strand). Cytogenetic location: 7q21.2.
Variant type: single nucleotide variant.
Coding change: c.2737A>G on transcript NM_017654.4 (MANE Select); coding-DNA position 2737, A replaced by G.
Protein change: p.Lys913Glu; replaces lysine 913 with glutamic acid.
Molecular consequence: missense variant.
Genome position (GRCh38, 1-based): chr7:93,103,361, T>C on the plus strand (A>G on the coding strand, the complement: SAMD9 is on the minus strand). VCF-style: chr7-93103361-T-C. GRCh37 (hg19) VCF-style: chr7-92732674-T-C.
Other names: c.2737A>G, p.Lys913Glu (NM_001193307.2); short protein forms K913E.
Identifiers: ClinVar variation 4827010 (VCV004827010.1).

ClinVar aggregate classification (germline): Uncertain significance (1 of 4 stars; one submission).

Conditions:
Inborn genetic diseases. Identifiers: MedGen C0950123, MeSH D030342.

Submission:

Ambry Genetics
Classification: Uncertain significance for Inborn genetic diseases. Last evaluated: 2026-02-28. Review status: criteria provided, single submitter. Criteria: Ambry Variant Classification Scheme 2023. Collection method: clinical testing. Allele origin: germline.
Comment: The p.K913E variant (also known as c.2737A>G), located in coding exon 1 of the SAMD9 gene, results from an A to G substitution at nucleotide position 2737. The lysine at codon 913 is replaced by glutamic acid, an amino acid with similar properties. This amino acid position is conserved. In addition, this alteration is predicted to be tolerated by in silico analysis. Based on the available evidence, the clinical significance of this variant remains unclear.